The following is an entry in ClinVar:

NM_152383.5(DIS3L2):c.410A>G (p.Tyr137Cys)

Gene: DIS3L2 (DIS3 like 3'-5' exoribonuclease 2; plus strand). Cytogenetic location: 2q37.1.
Variant type: single nucleotide variant.
Coding change: c.410A>G on transcript NM_152383.5 (MANE Select); coding-DNA position 410, A replaced by G.
Protein change: p.Tyr137Cys; replaces tyrosine 137 with cysteine.
Molecular consequence: missense variant. On other transcripts: non-coding transcript variant (2).
Genome position (GRCh38, 1-based): chr2:232,087,530, A>G. VCF-style: chr2-232087530-A-G. GRCh37 (hg19) VCF-style: chr2-232952240-A-G.
Other names: c.410A>G, p.Tyr137Cys (NM_001257281.2, NM_001257282.2); short protein forms Y137C.
Identifiers: ClinVar variation 241980 (VCV000241980.33), dbSNP rs201733073, ClinGen allele CA2163823.

ClinVar aggregate classification (germline): Conflicting classifications of pathogenicity. Review status: criteria provided, conflicting classifications (1 of 4 stars). 12 submissions from 12 submitters: Uncertain significance (7); Benign (1); Likely benign (4). Last evaluated 2026-01-27.

Conditions:
Inborn genetic diseases. Identifiers: MedGen C0950123, MeSH D030342.
DIS3L2-related disorder. Also called: DIS3L2-related condition.
Perlman syndrome (PRLMNS). Identifiers: Orphanet 2849, MedGen C0796113, MONDO:0009965, OMIM 267000.

Allele frequency attached by ClinVar (database versions not stated): 1000 Genomes Project 0.00040; gnomAD 0.00070 and 0.00072; gnomAD exomes 0.00071 and 0.00091; 1000 Genomes Project 30x 0.00078; ExAC 0.00078; TOPMed 0.00089; ESP Exome Variant Server 0.00108.
gnomAD v4.1: 1,427 of 1,613,924 alleles (0.088%); highest among the groups gnomAD compares: Non-Finnish European, 0.11%; 1 homozygote.

Submissions (12):

Labcorp Genetics (formerly Invitae), Labcorp
Classification: Benign for Perlman syndrome. Last evaluated: 2026-01-27. Review status: criteria provided, single submitter. Criteria: Invitae Variant Classification Sherloc (09022015). Collection method: clinical testing. Allele origin: germline.

Dasa
Classification: Likely benign. Last evaluated: 2025-12-19. Review status: criteria provided, single submitter. Criteria: DASA Assertion Criteria. Collection method: clinical testing. Allele origin: germline.
Comment: NM_152383.5(DIS3L2):c.410A>G (p.Tyr137Cys) is a missense variant that results in the substitution of tyrosine with cysteine. Population frequency is inconsistent with a disease-causing role for this variant, and observations in unaffected individuals support a benign interpretation. Computational prediction algorithms are consistent with a benign effect. Therefore, based on the currently available evidence, this variant is classified as likely benign.

Blueprint Genetics
Classification: Likely benign. Last evaluated: 2024-11-06. Review status: criteria provided, single submitter. Criteria: ACMG Guidelines, 2015. Collection method: clinical testing. Allele origin: germline.

PreventionGenetics, part of Exact Sciences
Classification: Uncertain significance for DIS3L2-related condition. Last evaluated: 2022-12-15. Review status: criteria provided, single submitter. Criteria: ACMG Guidelines, 2015. Collection method: clinical testing. Allele origin: germline.
Comment: The DIS3L2 c.410A>G variant is predicted to result in the amino acid substitution p.Tyr137Cys. This variant was observed in an individual with blastemal type Wilms tumor, although no further studies were performed to determine its pathogenicity (Wegert et al. 2015. PubMed ID: 25670083). This variant was also reported in the compound heterozygous state with a second missense variant in an individual with microophthalmia and agenesis of corpus callosum (Leung et al 2018. PubMed ID: 30359267). This variant is reported in 0.13% of alleles in individuals of European (Non-Finnish) descent in gnomAD and has conflicting interpretations of benign and uncertain significance in ClinVar. Although we suspect this variant may be benign, at this time, the clinical significance of this variant is uncertain due to the absence of conclusive functional and genetic evidence.

GeneDx
Classification: Uncertain significance. Last evaluated: 2022-05-31. Review status: criteria provided, single submitter. Criteria: GeneDx Variant Classification Process June 2021. Collection method: clinical testing. Allele origin: germline. Affected: yes.
Comment: Observed in the heterozygous state in individuals with Wilms tumor, microophthalmia, and agenesis of the corpus callosum (Leung GKC et al., 2018; Wegert J et al., 2015); In silico analysis supports that this missense variant does not alter protein structure/function; This variant is associated with the following publications: (PMID: 25670083, 30359267, 30344923)

Sema4
Classification: Likely benign for Perlman syndrome. Last evaluated: 2021-12-25. Review status: criteria provided, single submitter. Criteria: Sema4 Curation Guidelines. Collection method: curation. Allele origin: germline.

Ambry Genetics
Classification: Likely benign for Inborn genetic diseases. Last evaluated: 2021-12-03. Review status: criteria provided, single submitter. Criteria: Ambry Variant Classification Scheme 2023. Collection method: clinical testing. Allele origin: germline.

Institute for Clinical Genetics, University Hospital TU Dresden, University Hospital TU Dresden
Classification: Uncertain significance. Last evaluated: 2021-11-03. Review status: criteria provided, single submitter. Criteria: ACMG Guidelines, 2015. Collection method: clinical testing. Allele origin: germline.

Department of Pathology and Laboratory Medicine, Sinai Health System
Classification: Uncertain significance for Perlman syndrome. Last evaluated: 2020-08-07. Review status: criteria provided, single submitter. Criteria: ACMG Guidelines, 2015. Collection method: research. Allele origin: germline.

Fulgent Genetics
Classification: Uncertain significance for Perlman syndrome. Last evaluated: 2018-10-31. Review status: criteria provided, single submitter. Criteria: ACMG Guidelines, 2015. Collection method: clinical testing. Allele origin: unknown.

Illumina Laboratory Services, Illumina
Classification: Uncertain significance for Perlman syndrome. Last evaluated: 2018-01-12. Review status: criteria provided, single submitter. Criteria: ICSL Variant Classification Criteria 13 December 2019. Collection method: clinical testing. Allele origin: germline.

Eurofins Ntd Llc (ga)
Classification: Uncertain significance. Last evaluated: 2016-04-05. Review status: criteria provided, single submitter. Criteria: EGL Classification Definitions 2015. Collection method: clinical testing. Allele origin: germline. Observed: 1 variant allele, 1 heterozygote.

Literature cited by the submitters: PubMed 30359267 (cited by Sema4); PubMed 30344923 (cited by Sema4); PubMed 25670083 (cited by Sema4).